The following is an entry in ClinVar:

NM_014946.4(SPAST):c.1315T>G (p.Phe439Val)

Gene: SPAST (spastin; plus strand). Cytogenetic location: 2p22.3.
Variant type: single nucleotide variant.
Coding change: c.1315T>G on transcript NM_014946.4 (MANE Select); coding-DNA position 1315, T replaced by G.
Protein change: p.Phe439Val; replaces phenylalanine 439 with valine.
Molecular consequence: missense variant.
Genome position (GRCh38, 1-based): chr2:32,136,632, T>G. VCF-style: chr2-32136632-T-G. GRCh37 (hg19) VCF-style: chr2-32361701-T-G.
Other names: p.Phe439Val; c.1312T>G, p.Phe438Val (NM_001363823.2); c.1216T>G, p.Phe406Val (NM_001363875.2); c.1219T>G, p.Phe407Val (NM_001377959.1, NM_199436.2); short protein forms F406V, F407V, F438V, F439V.
Identifiers: ClinVar variation 4871889 (VCV004871889.1).

ClinVar aggregate classification (germline): Uncertain significance (1 of 4 stars; one submission).

Conditions:
Hereditary spastic paraplegia 4. Also called: Spastic paraplegia 4, autosomal dominant; Spastic Paraplegia 4; Familial spastic paraplegia autosomal dominant 2. Identifiers: Orphanet 100985, MedGen C1866855, MONDO:0008438, OMIM 182601.

Submission:

Centre for Mendelian Genomics, University Medical Centre Ljubljana
Classification: Uncertain significance for Hereditary spastic paraplegia 4. Last evaluated: 2026-07-22. Review status: criteria provided, single submitter. Criteria: ACMG Guidelines, 2015. Collection method: clinical testing. Allele origin: germline. Affected: yes. Observed: 1 variant allele.
Comment: Whole exome sequencing indicated the presence of a heterozygous missense variant of uncertain significance in the SPAST gene. Pathogenic heterozygous variants in SPAST are an established cause of Spastic paraplegia 4 (SPG4; also known as SPAST-HSP, OMIM:182601). SPAST-HSP is inherited in an autosomal dominant manner with age-related, nearly complete penetrance, and is characterized by substantial intrafamilial clinical variability (GeneReviews ID: NBK1160). The identified variant has not previously been reported in association with disease in humans. However, further arguments favor a pathogenic role: (1) the variant is absent from control populations in the gnomAD project; (2) in silico pathogenicity predictions are consistent with a deleterious effect (DANN, DEOGEN2, EIGEN, FATHMM-MKL, M-CAP, MVP, MutationAssessor, MutationTaster, REVEL, and SIFT); (3) the variant lies near other variants of uncertain significance and variants reported as pathogenic (PMID:16682546; ClinVar IDs 617749, 423180, 5664); and (4) concordance with the clinical presentation in the proband. Based on the currently available evidence, we classify the variant as a variant of uncertain significance.

Literature cited by the submitters: PubMed 16682546.